The following is an entry in ClinVar:

ClinVar aggregate classification (germline): Likely benign (0 of 4 stars; one submission).

Conditions:
EVX2-related disorder. Also called: EVX2-related condition.

Submission:

PreventionGenetics, part of Exact Sciences
Classification: Likely benign for EVX2-related condition. Last evaluated: 2021-12-13. Review status: no assertion criteria provided. Collection method: clinical testing. Allele origin: germline.
Comment: This variant is classified as likely benign based on ACMG/AMP sequence variant interpretation guidelines (Richards et al. 2015 PMID: 25741868, with internal and published modifications).

NM_001080458.2(EVX2):c.1092A>C (p.Ala364=)

Gene: EVX2 (even-skipped homeobox 2; minus strand). Cytogenetic location: 2q31.1.
Variant type: single nucleotide variant.
Coding change: c.1092A>C on transcript NM_001080458.2 (MANE Select); coding-DNA position 1092, A replaced by C.
Protein change: p.Ala364=; no amino-acid change (alanine 364 retained).
Molecular consequence: synonymous variant.
Genome position (GRCh38, 1-based): chr2:176,080,446, T>G on the plus strand (A>C on the coding strand, the complement: EVX2 is on the minus strand). VCF-style: chr2-176080446-T-G. GRCh37 (hg19) VCF-style: chr2-176945174-T-G.
Identifiers: ClinVar variation 3035956 (VCV003035956.2), dbSNP rs2468133072, ClinGen allele CA430227708.